The following is an entry in ClinVar:

ClinVar aggregate classification (germline): Likely pathogenic (1 of 4 stars; one submission).

Conditions:
Optic atrophy with or without deafness, ophthalmoplegia, myopathy, ataxia, and neuropathy. Also called: OPTIC ATROPHY PLUS SYNDROME. Identifiers: MedGen C3276549, MONDO:0007429, OMIM 125250.

Submission:

3billion
Classification: Likely pathogenic for Optic atrophy with or without deafness, ophthalmoplegia, myopathy, ataxia, and neuropathy. Last evaluated: 2025-09-13. Review status: criteria provided, single submitter. Criteria: ACMG Guidelines, 2015. Collection method: clinical testing. Allele origin: germline. Affected: yes.
Comment: The variant is not observed in the gnomAD v4.1.0 dataset. Predicted Consequence/Location: Stop-gained (nonsense): predicted to result in a loss or disruption of normal protein function through nonsense-mediated decay (NMD) or protein truncation. Multiple pathogenic variants are reported downstream of the variant. Therefore, this variant is classified as Likely pathogenic according to the recommendation of ACMG/AMP guideline.

NM_130837.3(OPA1):c.2112dup (p.Asn705Ter)

Gene: OPA1 (OPA1 mitochondrial dynamin like GTPase; plus strand). Cytogenetic location: 3q29.
Variant type: Duplication.
Coding change: c.2112dup on transcript NM_130837.3 (MANE Select); coding-DNA position 2112, one base duplicated (T; older notation c.2112dupT).
Protein change: p.Asn705Ter; replaces asparagine 705 with a stop codon.
Molecular consequence: nonsense.
Genome position (GRCh38, 1-based): chr3:193,654,961, T duplicated; the last of 4 consecutive T bases (chr3:193,654,958-193,654,961); duplicating any one gives the same sequence. VCF-style (leftmost placement, unchanged base first): chr3-193654957-C-CT. GRCh37 (hg19) VCF-style: chr3-193372746-C-CT.
Other names: c.1578dup, p.Asn527Ter (NM_001354663.2); c.1575dup, p.Asn526Ter (NM_001354664.2); c.1947dup, p.Asn650Ter (NM_015560.3); c.1839dup, p.Asn614Ter (NM_130831.3); c.1893dup, p.Asn632Ter (NM_130832.3); c.1950dup, p.Asn651Ter (NM_130833.3); c.2001dup, p.Asn668Ter (NM_130834.3); c.2004dup, p.Asn669Ter (NM_130835.3); and 1 more; short protein forms N526*, N527*, N614*, N632*, N650*, N651*, N668*, N669*.
Identifiers: ClinVar variation 4853922 (VCV004853922.1).